The following is an entry in ClinVar:

ClinVar aggregate classification (germline): Uncertain significance (1 of 4 stars; one submission).

Conditions:
Hypertrophic cardiomyopathy. Also called: HYPERTROPHIC MYOCARDIOPATHY. Identifiers: Orphanet 217569, MedGen C0007194, MeSH D002312, MONDO:0005045, HP:0001639.

Submission:

Labcorp Genetics (formerly Invitae), Labcorp
Classification: Uncertain significance for Hypertrophic cardiomyopathy. Last evaluated: 2022-10-18. Review status: criteria provided, single submitter. Criteria: Invitae Variant Classification Sherloc (09022015). Collection method: clinical testing. Allele origin: germline.
Comment: This variant has not been reported in the literature in individuals affected with MYBPC3-related conditions. This variant is not present in population databases (gnomAD no frequency). This sequence change replaces proline, which is neutral and non-polar, with serine, which is neutral and polar, at codon 971 of the MYBPC3 protein (p.Pro971Ser). Algorithms developed to predict the effect of missense changes on protein structure and function (SIFT, PolyPhen-2, Align-GVGD) all suggest that this variant is likely to be disruptive. In summary, the available evidence is currently insufficient to determine the role of this variant in disease. Therefore, it has been classified as a Variant of Uncertain Significance.

NM_000256.3(MYBPC3):c.2911C>T (p.Pro971Ser)

Gene: MYBPC3 (myosin binding protein C3; minus strand). Cytogenetic location: 11p11.2.
Variant type: single nucleotide variant.
Coding change: c.2911C>T on transcript NM_000256.3 (MANE Select); coding-DNA position 2911, C replaced by T.
Protein change: p.Pro971Ser; replaces proline 971 with serine.
Molecular consequence: missense variant.
Genome position (GRCh38, 1-based): chr11:47,334,005, G>A on the plus strand (C>T on the coding strand, the complement: MYBPC3 is on the minus strand). VCF-style: chr11-47334005-G-A. GRCh37 (hg19) VCF-style: chr11-47355556-G-A.
Other names: short protein forms P971S.
Identifiers: ClinVar variation 2132585 (VCV002132585.4), dbSNP rs2495742861, ClinGen allele CA051937.